The following is an entry in ClinVar:

ClinVar aggregate classification (germline): Conflicting classifications of pathogenicity. Review status: criteria provided, conflicting classifications (1 of 4 stars). 4 submissions from 4 submitters: Uncertain significance (3); Likely benign (1). Last evaluated 2024-04-20.

Conditions:
Fanconi anemia (FA). Also called: Fanconi's anemia. Identifiers: Orphanet 84, MedGen C0015625, MeSH D005199, MONDO:0019391.
Fanconi anemia complementation group P. Also called: SLX4-Related Fanconi Anemia. Identifiers: Orphanet 84, MedGen C3469542, MONDO:0013499, OMIM 613951.

Allele frequency attached by ClinVar (database versions not stated): gnomAD 0.00008 and 0.00009; TOPMed 0.00012; 1000 Genomes Project 0.00020; ExAC 0.00020; gnomAD exomes 0.00025.
gnomAD v4.1: 103 of 1,608,904 alleles (0.0064%); highest among the groups gnomAD compares: Admixed American, 0.1%; no homozygotes.

Submissions (4):

Fulgent Genetics
Classification: Uncertain significance for Fanconi anemia complementation group P. Last evaluated: 2024-04-20. Review status: criteria provided, single submitter. Criteria: ACMG Guidelines, 2015. Collection method: clinical testing. Allele origin: germline.

Blueprint Genetics
Classification: Likely benign. Last evaluated: 2023-07-03. Review status: criteria provided, single submitter. Criteria: ACMG Guidelines, 2015. Collection method: clinical testing. Allele origin: germline.

Labcorp Genetics (formerly Invitae), Labcorp
Classification: Uncertain significance for Fanconi anemia. Last evaluated: 2022-10-20. Review status: criteria provided, single submitter. Criteria: Invitae Variant Classification Sherloc (09022015). Collection method: clinical testing. Allele origin: germline.
Comment: This sequence change replaces arginine, which is basic and polar, with histidine, which is basic and polar, at codon 1468 of the SLX4 protein (p.Arg1468His). This variant is present in population databases (rs574214196, gnomAD 0.2%). This variant has not been reported in the literature in individuals affected with SLX4-related conditions. ClinVar contains an entry for this variant (Variation ID: 645501). Algorithms developed to predict the effect of missense changes on protein structure and function output the following: SIFT: "Tolerated"; PolyPhen-2: "Benign"; Align-GVGD: "Class C0". The histidine amino acid residue is found in multiple mammalian species, which suggests that this missense change does not adversely affect protein function. In summary, the available evidence is currently insufficient to determine the role of this variant in disease. Therefore, it has been classified as a Variant of Uncertain Significance.

Revvity Omics, Revvity
Classification: Uncertain significance for Fanconi anemia complementation group P. Last evaluated: 2019-10-09. Review status: criteria provided, single submitter. Criteria: ACMG Guidelines, 2015. Collection method: clinical testing. Allele origin: germline.

NM_032444.4(SLX4):c.4403G>A (p.Arg1468His)

Gene: SLX4 (SLX4 structure-specific endonuclease subunit; minus strand). Cytogenetic location: 16p13.3.
Variant type: single nucleotide variant.
Coding change: c.4403G>A on transcript NM_032444.4 (MANE Select); coding-DNA position 4403, G replaced by A.
Protein change: p.Arg1468His; replaces arginine 1468 with histidine.
Molecular consequence: missense variant.
Genome position (GRCh38, 1-based): chr16:3,589,235, C>T on the plus strand (G>A on the coding strand, the complement: SLX4 is on the minus strand). VCF-style: chr16-3589235-C-T. GRCh37 (hg19) VCF-style: chr16-3639236-C-T.
Other names: c.4403G>A (LRG_503t1); short protein forms R1468H.
Identifiers: ClinVar variation 645501 (VCV000645501.11), dbSNP rs574214196, ClinGen allele CA7865653.